The following is an entry in ClinVar:

NM_001369.3(DNAH5):c.7829_7830delinsTCTCTTATACACATC (p.Glu2610fs)

Gene: DNAH5 (dynein axonemal heavy chain 5; minus strand). Cytogenetic location: 5p15.2.
Variant type: Indel.
Coding change: c.7829_7830delinsTCTCTTATACACATC on transcript NM_001369.3 (MANE Select); coding-DNA positions 7829 to 7830, AA replaced by TCTCTTATACACATC.
Protein change: p.Glu2610fs; shifts the reading frame from glutamic acid 2610.
Molecular consequence: frameshift variant.
Genome position (GRCh38, 1-based): chr5:13,807,648-13,807,649, TT replaced by GATGTGTATAAGAGA on the plus strand (AA replaced by TCTCTTATACACATC on the coding strand, the reverse complement: DNAH5 is on the minus strand). VCF-style: chr5-13807648-TT-GATGTGTATAAGAGA. GRCh37 (hg19) VCF-style: chr5-13807757-TT-GATGTGTATAAGAGA.
Other names: short protein forms E2610fs.
Identifiers: ClinVar variation 5011079 (VCV005011079.1).

ClinVar aggregate classification (germline): Pathogenic (1 of 4 stars; one submission).

Conditions:
Primary ciliary dyskinesia 3. Identifiers: Orphanet 244, MedGen C1837618, MONDO:0012085, OMIM 608644.

Submission:

Myriad Genetics, Inc.
Classification: Pathogenic for Primary ciliary dyskinesia 3. Last evaluated: 2024-05-14. Review status: criteria provided, single submitter. Criteria: Myriad Autosomal Dominant, Autosomal Recessive and X-Linked Classification Criteria (2023). Collection method: clinical testing. Allele origin: unknown.
Comment: NM_001369.2(DNAH5):c.7829_7830del2ins15(E2610Vfs*33) is expected to be pathogenic in the context of primary ciliary dyskinesia, DNAH5-related. This variant is predicted to lead to an abnormal or absent protein product due to the creation of a premature termination codon in DNAH5, a gene where loss-of-function variants are known to be pathogenic. Please note: this variant was assessed in the context of healthy population screening.